The following is an entry in ClinVar:

ClinVar aggregate classification (germline): Pathogenic (1 of 4 stars; one submission).

Submission:

Quest Diagnostics Nichols Institute San Juan Capistrano
Classification: Pathogenic. Last evaluated: 2024-08-02. Review status: criteria provided, single submitter. Criteria: ACMG/ClinGen CNV Guidelines, 2019. Collection method: clinical testing. Allele origin: unknown.
Comment: This loss involves at least 30 protein-coding genes. Heterozygous deletions contained within this 7p21.3p15.3 region have been identified in individuals with various phenotypes (Cho 2013, Firth 2009, Kilcoyne 2019, Toone 2021, Yoon 2020), with many probands also having deletions that overlap TWIST1. Haploinsufficiency of TWIST1 is associated with autosomal dominant Saethre-Chotzen syndrome (OMIM 101400; Gallagher 2019, Rehm 2015). There are no similar copy number losses of this region in the general populations of the Database of Genomic Variants. Thus, based on current medical literature, this copy number variant (CNV) is classified as pathogenic. References: Cho et al., Childs Nerv Syst. 2013 Nov;29(11):2101-4. PMID: 23958897 Firth et al., Am J Hum Genet. 2009 Apr;84(4):524-33. PMID: 19344873 Gallagher et al. GeneReviews [Jan 24 2019]. PMID: 20301368 Kilcoyne et al., J Craniofac Surg. 2019 Jul;30(5):1506-1511. PMID: 31299755 Rehm et al., N Engl J Med. 2015 Jun 4;372(23):2235-42. PMID: 26014595 Tonne et al., Eur J Hum Genet. 2021 Jun;29(6):920-929. PMID: 33288889 Yoon et al., Neurosurgery. 2020 Aug 1;87(2):294-302. PMID: 31754721

GRCh37/hg19 7p21.3-15.3(chr7:12229502-21665553)x1

Genes: ABCB5 (ATP binding cassette subfamily B member 5; plus strand), AGMO (alkylglycerol monooxygenase; minus strand), AGR2 (anterior gradient 2, protein disulphide isomerase family member; minus strand), AGR3 (anterior gradient 3, protein disulphide isomerase family member; minus strand), AHR (aryl hydrocarbon receptor; plus strand) and 25 more. Cytogenetic location: 7p21.3-15.3.
Variant type: copy number loss.
Change: copy number 1 (one copy instead of two) of chr7:12,229,502-21,665,553 (9.44 Mb, GRCh37 coordinates, 1-based), cytogenetic band 7p21.3-15.3.
Identifiers: ClinVar variation 4682688 (VCV004682688.1).